The following is an entry in ClinVar:

ClinVar aggregate classification (germline): Uncertain significance (1 of 4 stars; one submission).

Submission:

Labcorp Genetics (formerly Invitae), Labcorp
Classification: Uncertain significance. Last evaluated: 2023-08-31. Review status: criteria provided, single submitter. Criteria: Invitae Variant Classification Sherloc (09022015). Collection method: clinical testing. Allele origin: germline.
Comment: In summary, the available evidence is currently insufficient to determine the role of this variant in disease. Therefore, it has been classified as a Variant of Uncertain Significance. An algorithm developed to predict the effect of missense changes on protein structure and function (PolyPhen-2) suggests that this variant is likely to be tolerated. This variant has not been reported in the literature in individuals affected with POLG2-related conditions. This variant is not present in population databases (gnomAD no frequency). This sequence change replaces leucine, which is neutral and non-polar, with valine, which is neutral and non-polar, at codon 303 of the POLG2 protein (p.Leu303Val).

NM_007215.4(POLG2):c.907C>G (p.Leu303Val)

Genes: POLG2 (DNA polymerase gamma 2, accessory subunit; minus strand), MILR1 (mast cell immunoglobulin like receptor 1; plus strand). Cytogenetic location: 17q23.3.
Variant type: single nucleotide variant.
Coding change: c.907C>G on transcript NM_007215.4 (MANE Select); coding-DNA position 907, C replaced by G.
Protein change: p.Leu303Val; replaces leucine 303 with valine.
Molecular consequence: missense variant.
Genome position (GRCh38, 1-based): chr17:64,490,858, G>C on the plus strand (C>G on the coding strand, the complement: POLG2 is on the minus strand). VCF-style: chr17-64490858-G-C. GRCh37 (hg19) VCF-style: chr17-62486975-G-C.
Other names: short protein forms L303V.
Identifiers: ClinVar variation 2789436 (VCV002789436.3), dbSNP rs2509545252, ClinGen allele CA400638524.